The following is an entry in ClinVar:

NM_032638.5(GATA2):c.1078T>C (p.Trp360Arg)

Gene: GATA2 (GATA binding protein 2; minus strand). Cytogenetic location: 3q21.3.
Variant type: single nucleotide variant.
Coding change: c.1078T>C on transcript NM_032638.5 (MANE Select); coding-DNA position 1078, T replaced by C.
Protein change: p.Trp360Arg; replaces tryptophan 360 with arginine.
Molecular consequence: missense variant.
Genome position (GRCh38, 1-based): chr3:128,481,884, A>G on the plus strand (T>C on the coding strand, the complement: GATA2 is on the minus strand). VCF-style: chr3-128481884-A-G. GRCh37 (hg19) VCF-style: chr3-128200727-A-G.
Other names: c.1078T>C, p.Trp360Arg (NM_001145661.2); c.1036T>C, p.Trp346Arg (NM_001145662.1); short protein forms W360R, W346R.
Identifiers: ClinVar variation 2949867 (VCV002949867.3), dbSNP rs2107668680, ClinGen allele CA354413587.

ClinVar aggregate classification (germline): Uncertain significance (1 of 4 stars; one submission).

Conditions:
Monocytopenia with susceptibility to infections. Also called: MONOCYTOPENIA AND MYCOBACTERIAL INFECTION SYNDROME; MONOCYTOPENIA WITH SUSCEPTIBILITY TO MYCOBACTERIAL, FUNGAL, AND PAPILLOMAVIRUS INFECTIONS AND MYELODYSPLASIA; COMBINED IMMUNODEFICIENCY WITH SUSCEPTIBILITY TO MYCOBACTERIAL, VIRAL, AND FUNGAL INFECTIONS; Dendritic cell, monocyte, B lymphocyte, and natural killer lymphocyte deficiency; IMMUNODEFICIENCY 21; GATA2 DEFICIENCY. Identifiers: Orphanet 228423, MedGen C3280030, MONDO:0013607, OMIM 614172.
Deafness-lymphedema-leukemia syndrome. Also called: Lymphedema, primary, with myelodysplasia; Emberger syndrome. Identifiers: Orphanet 3226, MedGen C3279664, MONDO:0013540, OMIM 614038.

Submission:

Labcorp Genetics (formerly Invitae), Labcorp
Classification: Uncertain significance for Monocytopenia with susceptibility to infections; Deafness-lymphedema-leukemia syndrome. Last evaluated: 2025-03-18. Review status: criteria provided, single submitter. Criteria: Invitae Variant Classification Sherloc (09022015). Collection method: clinical testing. Allele origin: germline.
Comment: This sequence change replaces tryptophan, which is neutral and slightly polar, with arginine, which is basic and polar, at codon 360 of the GATA2 protein (p.Trp360Arg). This variant is not present in population databases (gnomAD no frequency). This missense change has been observed in individual(s) with clinical features of GATA2 deficiency (PMID: 25239263, 28126493, 34893945). ClinVar contains an entry for this variant (Variation ID: 2949867). Invitae Evidence Modeling of protein sequence and biophysical properties (such as structural, functional, and spatial information, amino acid conservation, physicochemical variation, residue mobility, and thermodynamic stability) indicates that this missense variant is expected to disrupt GATA2 protein function with a positive predictive value of 95%. In summary, the available evidence is currently insufficient to determine the role of this variant in disease. Therefore, it has been classified as a Variant of Uncertain Significance.

Literature cited by the submitters: PubMed 25239263; PubMed 28126493; PubMed 34893945.